The following continues an entry in ClinVar:

NM_144991.3(TSPEAR):c.1915G>A (p.Asp639Asn)

Gene: TSPEAR. ClinVar aggregate classification (germline): Conflicting classifications of pathogenicity. Pathogenic (3); Likely pathogenic (3); Uncertain significance (7); Benign (3); Likely benign (1).

Submissions 10 to 23 of 23:

Blueprint Genetics
Classification: Uncertain significance. Last evaluated: 2024-10-29. Review status: criteria provided, single submitter. Criteria: ACMG Guidelines, 2015. Collection method: clinical testing. Allele origin: germline.

Victorian Clinical Genetics Services, Murdoch Childrens Research Institute
Classification: Uncertain significance for Ectodermal dysplasia 14, hair/tooth type with or without hypohidrosis. Last evaluated: 2024-09-20. Review status: criteria provided, single submitter. Criteria: ACMG Guidelines, 2015. Collection method: clinical testing. Allele origin: germline. Inheritance: Autosomal recessive inheritance. Affected: yes.
Comment: Based on the classification scheme VCGS_Germline_v1.3.4, this variant is classified as VUS-3A. Following criteria are met: 0102 - Loss of function is a known mechanism of disease in this gene and is associated with tooth agenesis, selective, 10 (MIM#620173) and ectodermal dysplasia 14, hair/tooth type with or without hypohidrosis (MIM#618180). (I) 0106 - This gene is associated with autosomal recessive disease. (I) 0200 - Variant is predicted to result in a missense amino acid change from aspartic acid to asparagine. (I) 0252 - This variant is homozygous. (I) 0304 - Variant is present in gnomAD (v2) <0.01 for a recessive condition (592 heterozygotes, 1 homozygote). (SP) 0502 - Missense variant with conflicting in silico predictions and uninformative conservation. (I) 0604 - Variant is not located in an established domain, motif, hotspot or informative constraint region. (I) 0705 - No comparable missense variants have previous evidence for pathogenicity. (I) 0802 - This variant has moderate previous evidence of pathogenicity in unrelated individuals. This variant has been classified as benign, likely benign, a VUS and pathogenic by clinical laboratories in ClinVar. The variant has also been observed as compound heterozygous or homozygous in eight families with hypodontia and ectodermal dysplasia in the literature, and was classified as a VUS or as likely pathogenic (PMID: 34042254, 27736875, 37009414). (SP) 1208 - Inheritance information for this variant is not currently available in this individual. (I) Legend: (SP) - Supporting pathogenic, (I) - Information, (SB) - Supporting benign

Duke University Health System Sequencing Clinic, Duke University Health System
Classification: Likely pathogenic for Ectodermal dysplasia 14, hair/tooth type with or without hypohidrosis. Last evaluated: 2023-04-20. Review status: criteria provided, single submitter. Criteria: ACMG Guidelines, 2015. Collection method: research. Allele origin: paternal. Affected: yes.

CeGaT Center for Human Genetics Tuebingen
Classification: Likely benign. Last evaluated: 2023-03-01. Review status: criteria provided, single submitter. Criteria: CeGaT Center For Human Genetics Tuebingen Variant Classification Criteria Version 2. Collection method: clinical testing. Allele origin: germline. Affected: yes. Observed: 1 variant allele.
Comment: TSPEAR: BS2

Pittsburgh Clinical Genomics Laboratory, University of Pittsburgh Medical Center
Classification: Likely pathogenic for Ectodermal dysplasia 14, hair/tooth type with or without hypohidrosis. Last evaluated: 2022-08-03. Review status: criteria provided, single submitter. Criteria: ACMG Guidelines, 2015. Collection method: clinical testing. Allele origin: germline. Inheritance: Autosomal recessive inheritance. Affected: yes.
Comment: This sequence variant is a single nucleotide substitution (G>A) at coding nucleotide 1915 in the TSPEAR gene which results in an aspartic acid to asparagine amino acid change at residue 639 in the TSPEAR protein. This is a previously reported variant (ClinVar) which has been reported with a second variant in compound heterozygous state in multiple individuals with ectodermal dysplasia with tooth agenesis (PMID: 34042254, 27736875). The variant is present in 594/263832 alleles, including 1 homozygote, in the gnomAD control population dataset. Multiple bioinformatic tools predict that this variant is likely to be damaging, and aspartic acid is highly conserved at this protein position in vertebrates. Functiol studies testing the effects of this variant have not been performed, to our knowledge. Based on the available evidence, we consider this variant to be likely pathogenic; however, based on the presence of a homozygous individual in a control dataset, it may represent an allele which requires a stronger loss of function allele on the opposite chromosome for disease phenotypes to manifest. ACMG Criteria: PM3, PP3, PP4, PS4

Athena Diagnostics
Classification: Benign. Last evaluated: 2019-08-06. Review status: criteria provided, single submitter. Criteria: Athena Diagnostics Criteria. Collection method: clinical testing. Allele origin: germline.

Baylor Genetics
Classification: Uncertain significance for Autosomal recessive nonsyndromic hearing loss 98. Last evaluated: 2018-01-18. Review status: criteria provided, single submitter. Criteria: ACMG Guidelines, 2015. Collection method: clinical testing. Allele origin: paternal. Affected: yes.
Comment: This variant was determined to be of uncertain significance according to ACMG Guidelines, 2015 [PMID:25741868].

Laboratory for Molecular Medicine, Mass General Brigham Personalized Medicine
Classification: Benign. Last evaluated: 2016-01-07. Review status: criteria provided, single submitter. Criteria: LMM Criteria. Collection method: clinical testing. Allele origin: germline. Observed: 2 variant alleles.
Comment: p.Asp639Asn in exon 12 of TSPEAR: This variant is not expected to have clinical significance because it has been identified in 0.5% (214/39556) of European chro mosomes by the Exome Aggregation Consortium (ExAC, g; dbSNP rs138480801).

Zotz-Klimas Genetics Lab, MVZ Zotz Klimas
Classification: Uncertain significance for Tooth agenesis, selective, 10. Last evaluated: 2023-11-24. Review status: no assertion criteria provided. Collection method: clinical testing. Allele origin: germline. Affected: yes. Not counted in ClinVar's aggregate classification.

OMIM
Classification: Pathogenic for TOOTH AGENESIS, SELECTIVE, 10. Last evaluated: 2022-12-20. Review status: no assertion criteria provided. Collection method: literature only. Allele origin: germline. Not counted in ClinVar's aggregate classification.

OMIM
Classification: Pathogenic for ECTODERMAL DYSPLASIA 14, HAIR/TOOTH TYPE, WITHOUT HYPOHIDROSIS. Last evaluated: 2022-12-05. Review status: no assertion criteria provided. Collection method: literature only. Allele origin: germline. Not counted in ClinVar's aggregate classification.

PreventionGenetics, part of Exact Sciences
Classification: Likely benign for TSPEAR-related condition. Last evaluated: 2020-08-24. Review status: no assertion criteria provided. Collection method: clinical testing. Allele origin: germline. Not counted in ClinVar's aggregate classification.
Comment: This variant is classified as likely benign based on ACMG/AMP sequence variant interpretation guidelines (Richards et al. 2015 PMID: 25741868, with internal and published modifications).

Clinical Genetics DNA and cytogenetics Diagnostics Lab, Erasmus MC, Erasmus Medical Center
Classification: Uncertain significance. Review status: no assertion criteria provided. Collection method: clinical testing. Allele origin: germline. Affected: yes. Study: VKGL Data-share Consensus. Not counted in ClinVar's aggregate classification.

Diagnostic Laboratory, Department of Genetics, University Medical Center Groningen
Classification: Uncertain significance. Review status: no assertion criteria provided. Collection method: clinical testing. Allele origin: germline. Affected: yes. Study: VKGL Data-share Consensus. Not counted in ClinVar's aggregate classification.

Literature cited by the submitters: PubMed 33144682 (cited by Labcorp Genetics (formerly Invitae), Labcorp and Women's Health and Genetics/Laboratory Corporation of America, LabCorp); PubMed 34042254 (cited by 7 submitters); PubMed 37009414 (cited by 4 submitters); PubMed 27736875 (cited by 7 submitters); PubMed 29144512 (cited by Women's Health and Genetics/Laboratory Corporation of America, LabCorp and Athena Diagnostics); PubMed 30046887 (cited by Women's Health and Genetics/Laboratory Corporation of America, LabCorp and Athena Diagnostics); PubMed 37853563 (cited by Women's Health and Genetics/Laboratory Corporation of America, LabCorp); PubMed 28409725 (cited by Women's Health and Genetics/Laboratory Corporation of America, LabCorp); PubMed 25855803 (cited by Laboratory for Molecular Medicine, Mass General Brigham Personalized Medicine).